The following is an entry in ClinVar:

NM_012337.3(CFAP45):c.1048C>T (p.Arg350Ter)

Gene: CFAP45 (cilia and flagella associated protein 45; minus strand). Cytogenetic location: 1q23.2.
Variant type: single nucleotide variant.
Coding change: c.1048C>T on transcript NM_012337.3 (MANE Select); coding-DNA position 1048, C replaced by T.
Protein change: p.Arg350Ter; replaces arginine 350 with a stop codon.
Molecular consequence: nonsense.
Genome position (GRCh38, 1-based): chr1:159,877,459, G>A on the plus strand (C>T on the coding strand, the complement: CFAP45 is on the minus strand). VCF-style: chr1-159877459-G-A. GRCh37 (hg19) VCF-style: chr1-159847249-G-A.
Other names: short protein forms R350*.
Identifiers: ClinVar variation 4850564 (VCV004850564.1).

ClinVar aggregate classification (germline): Likely pathogenic (1 of 4 stars; one submission).

Conditions:
Heterotaxy, visceral, 11, autosomal, with male infertility. Identifiers: MedGen C5562019, MONDO:0030475, OMIM 619608.

gnomAD v4.1: 87 of 1,611,844 alleles (0.0054%); highest among the groups gnomAD compares: Admixed American, 0.025%; no homozygotes.

Submission:

First Genomix Gene Laboratory, Genetic Diagnostics Department
Classification: Likely pathogenic for Heterotaxy, visceral, 11, autosomal, with male infertility. Last evaluated: 2025-08-04. Review status: criteria provided, single submitter. Criteria: ACMG Guidelines, 2015. Collection method: clinical testing. Allele origin: germline. Inheritance: Autosomal recessive inheritance. Affected: no. Observed: 1 variant allele.